The following is an entry in ClinVar:

ClinVar aggregate classification (germline): Uncertain significance. Review status: criteria provided, multiple submitters, no conflicts (2 of 4 stars). 2 submissions from 2 submitters: Uncertain significance (2). Last evaluated 2024-11-15.

Conditions:
Alstrom syndrome (ALMS). Identifiers: Orphanet 64, MedGen C0268425, MONDO:0008763, OMIM 203800.

Submissions (2):

GeneDx
Classification: Uncertain significance. Last evaluated: 2024-11-15. Review status: criteria provided, single submitter. Criteria: GeneDx Variant Classification Process June 2021. Collection method: clinical testing. Allele origin: germline. Affected: yes.
Comment: Not observed at significant frequency in large population cohorts (gnomAD); In silico analysis indicates that this missense variant does not alter protein structure/function; Has not been previously published as pathogenic or benign to our knowledge

Labcorp Genetics (formerly Invitae), Labcorp
Classification: Uncertain significance for Alstrom syndrome. Last evaluated: 2022-08-17. Review status: criteria provided, single submitter. Criteria: Invitae Variant Classification Sherloc (09022015). Collection method: clinical testing. Allele origin: germline.
Comment: In summary, the available evidence is currently insufficient to determine the role of this variant in disease. Therefore, it has been classified as a Variant of Uncertain Significance. Experimental studies and prediction algorithms are not available or were not evaluated, and the functional significance of this variant is currently unknown. This variant has not been reported in the literature in individuals affected with ALMS1-related conditions. This variant is not present in population databases (gnomAD no frequency). This sequence change replaces tyrosine, which is neutral and polar, with aspartic acid, which is acidic and polar, at codon 1941 of the ALMS1 protein (p.Tyr1941Asp).

NM_001378454.1(ALMS1):c.5818T>G (p.Tyr1940Asp)

Gene: ALMS1 (ALMS1 centrosome and basal body associated protein; plus strand). Cytogenetic location: 2p13.1.
Variant type: single nucleotide variant.
Coding change: c.5818T>G on transcript NM_001378454.1 (MANE Select); coding-DNA position 5818, T replaced by G.
Protein change: p.Tyr1940Asp; replaces tyrosine 1940 with aspartic acid.
Molecular consequence: missense variant.
Genome position (GRCh38, 1-based): chr2:73,452,345, T>G. VCF-style: chr2-73452345-T-G. GRCh37 (hg19) VCF-style: chr2-73679472-T-G.
Other names: c.5821T>G, p.Tyr1941Asp (NM_015120.4); short protein forms Y1941D, Y1940D.
Identifiers: ClinVar variation 2086605 (VCV002086605.5), dbSNP rs2466106541, ClinGen allele CA347283406.